The following is an entry in ClinVar:

ClinVar aggregate classification (germline): Uncertain significance (1 of 4 stars; one submission).

Submission:

Labcorp Genetics (formerly Invitae), Labcorp
Classification: Uncertain significance. Last evaluated: 2023-08-27. Review status: criteria provided, single submitter. Criteria: Invitae Variant Classification Sherloc (09022015). Collection method: clinical testing. Allele origin: germline.
Comment: In summary, the available evidence is currently insufficient to determine the role of this variant in disease. Therefore, it has been classified as a Variant of Uncertain Significance. Advanced modeling of protein sequence and biophysical properties (such as structural, functional, and spatial information, amino acid conservation, physicochemical variation, residue mobility, and thermodynamic stability) performed at Invitae indicates that this missense variant is expected to disrupt CACNA1F protein function. ClinVar contains an entry for this variant (Variation ID: 1009127). This variant has not been reported in the literature in individuals affected with CACNA1F-related conditions. This variant is not present in population databases (gnomAD no frequency). This sequence change replaces asparagine, which is neutral and polar, with aspartic acid, which is acidic and polar, at codon 228 of the CACNA1F protein (p.Asn228Asp).

NM_001256789.3(CACNA1F):c.682A>G (p.Asn228Asp)

Gene: CACNA1F (calcium voltage-gated channel subunit alpha1 F; minus strand). Cytogenetic location: Xp11.23.
Variant type: single nucleotide variant.
Coding change: c.682A>G on transcript NM_001256789.3 (MANE Select); coding-DNA position 682, A replaced by G.
Protein change: p.Asn228Asp; replaces asparagine 228 with aspartic acid.
Molecular consequence: missense variant.
Genome position (GRCh38, 1-based): chrX:49,230,355, T>C on the plus strand (A>G on the coding strand, the complement: CACNA1F is on the minus strand). VCF-style: chrX-49230355-T-C. GRCh37 (hg19) VCF-style: chrX-49086817-T-C.
Other names: c.487A>G, p.Asn163Asp (NM_001256790.3); c.682A>G, p.Asn228Asp (NM_005183.4); short protein forms N163D, N228D.
Identifiers: ClinVar variation 1009127 (VCV001009127.8), dbSNP rs2065864779, ClinGen allele CA412924943.
Genomic context (GRCh38, chrX:49,230,355, plus strand): 5'-TGACGAAGAGCACGAGCAGTGCAATGTGCAGCAGCGGCACCAGAGCCTTCATGATGGAAT[T>C]GAGCACTATGTGCAGGCCTGCGGGGAGGGAGGGGGAGGCAGAAATAAGGGCGGGGTCAGC-3'
Protein context (NP_001243718.1, residues 218-238): SGVPSLHIVL[Asn228Asp]SIMKALVPLL